The following is an entry in ClinVar:

ClinVar aggregate classification (germline): Uncertain significance (1 of 4 stars; one submission).

Conditions:
Dyskeratosis congenita. Identifiers: Orphanet 1775, MedGen C0265965, MONDO:0015780.

Submission:

Ambry Genetics
Classification: Uncertain significance for Dyskeratosis congenita. Last evaluated: 2022-06-07. Review status: criteria provided, single submitter. Criteria: Ambry Variant Classification Scheme 2023. Collection method: clinical testing. Allele origin: germline.
Comment: The p.C931Y variant (also known as c.2792G>A), located in coding exon 11 of the TERT gene, results from a G to A substitution at nucleotide position 2792. The cysteine at codon 931 is replaced by tyrosine, an amino acid with highly dissimilar properties. This amino acid position is conserved. In addition, this alteration is predicted to be deleterious by in silico analysis. Since supporting evidence is limited at this time, the clinical significance of this alteration remains unclear.

NM_198253.3(TERT):c.2792G>A (p.Cys931Tyr)

Gene: TERT (telomerase reverse transcriptase; minus strand). Cytogenetic location: 5p15.33.
Variant type: single nucleotide variant.
Coding change: c.2792G>A on transcript NM_198253.3 (MANE Select); coding-DNA position 2792, G replaced by A.
Protein change: p.Cys931Tyr; replaces cysteine 931 with tyrosine.
Molecular consequence: missense variant. On other transcripts: intron variant (1).
Genome position (GRCh38, 1-based): chr5:1,264,455, C>T on the plus strand (G>A on the coding strand, the complement: TERT is on the minus strand). VCF-style: chr5-1264455-C-T. GRCh37 (hg19) VCF-style: chr5-1264570-C-T.
Other names: c.2792G>A, p.Cys931Tyr (NM_003219.1); c.2654+2009G>A (NM_001193376.3); short protein forms C931Y.
Identifiers: ClinVar variation 1796067 (VCV001796067.2), dbSNP rs2478152916, ClinGen allele CA359071586.